The following is an entry in ClinVar:

ClinVar aggregate classification (germline): Benign/Likely benign. Review status: criteria provided, multiple submitters, no conflicts (2 of 4 stars). 7 submissions from 7 submitters: Benign (5); Likely benign (1). 1 of the submissions does not count toward it. Last evaluated 2026-01-28.

Conditions:
ERCC4-related disorder. Also called: ERCC4-related condition.
Xeroderma pigmentosum, group F (XPF). Also called: ERCC4-Related Xeroderma Pigmentosum; XERODERMA PIGMENTOSUM, TYPE F; Xeroderma pigmentosum, type 6; XERODERMA PIGMENTOSUM, COMPLEMENTATION GROUP F; XERODERMA PIGMENTOSUM VI; XP, GROUP F. Identifiers: MedGen C0268140, MONDO:0010215, OMIM 278760.
Cockayne syndrome. Identifiers: Orphanet 191, MedGen C0009207, MONDO:0016006.
Fanconi anemia complementation group Q. Identifiers: Orphanet 84, MedGen C3808988, MONDO:0014108, OMIM 615272.

Allele frequency attached by ClinVar (database versions not stated): gnomAD exomes 0.00125 and 0.00338; ExAC 0.00406; ESP Exome Variant Server 0.01308; gnomAD 0.01313 and 0.01408; TOPMed 0.01461; 1000 Genomes Project 0.01538; 1000 Genomes Project 30x 0.01655.
gnomAD v4.1: 3,913 of 1,612,194 alleles (0.24%); highest among the groups gnomAD compares: African/African-American, 4.5%; 87 homozygotes.

Submissions (7):

Labcorp Genetics (formerly Invitae), Labcorp
Classification: Benign for Fanconi anemia complementation group Q; Xeroderma pigmentosum, group F; Cockayne syndrome. Last evaluated: 2026-01-28. Review status: criteria provided, single submitter. Criteria: Invitae Variant Classification Sherloc (09022015). Collection method: clinical testing. Allele origin: germline.

Blueprint Genetics
Classification: Likely benign. Last evaluated: 2024-11-21. Review status: criteria provided, single submitter. Criteria: ACMG Guidelines, 2015. Collection method: clinical testing. Allele origin: germline.

ARUP Laboratories, Molecular Genetics and Genomics, ARUP Laboratories
Classification: Benign. Last evaluated: 2024-10-17. Review status: criteria provided, single submitter. Criteria: ARUP Molecular Germline Variant Investigation Process 2024. Collection method: clinical testing. Allele origin: germline.

KCCC/NGS Laboratory, Kuwait Cancer Control Center
Classification: Benign for Xeroderma pigmentosum, group F. Last evaluated: 2023-07-07. Review status: criteria provided, single submitter. Criteria: ACMG Guidelines, 2015. Collection method: clinical testing. Allele origin: germline. Affected: yes.

Illumina Laboratory Services, Illumina
Classification: Benign for Xeroderma pigmentosum, group F. Last evaluated: 2018-01-13. Review status: criteria provided, single submitter. Criteria: ICSL Variant Classification Criteria 13 December 2019. Collection method: clinical testing. Allele origin: germline.
Comment: This variant was observed in the ICSL laboratory as part of a predisposition screen in an ostensibly healthy population. It had not been previously curated by ICSL or reported in the Human Gene Mutation Database (HGMD: prior to June 1st, 2018), and was therefore a candidate for classification through an automated scoring system. Utilizing variant allele frequency, disease prevalence and penetrance estimates, and inheritance mode, an automated score was calculated to assess if this variant is too frequent to cause the disease. Based on the score and internal cut-off values, a variant classified as benign is not then subjected to further curation. The score for this variant resulted in a classification of benign for this disease.

Breakthrough Genomics
Classification: Benign. Review status: criteria provided, single submitter. Criteria: ACMG Guidelines, 2015. Collection method: not provided. Allele origin: germline. Inheritance: Autosomal recessive inheritance. Affected: yes.

PreventionGenetics, part of Exact Sciences
Classification: Benign for ERCC4-related condition. Last evaluated: 2019-06-04. Review status: no assertion criteria provided. Collection method: clinical testing. Allele origin: germline. Not counted in ClinVar's aggregate classification.
Comment: This variant is classified as benign based on ACMG/AMP sequence variant interpretation guidelines (Richards et al. 2015 PMID: 25741868, with internal and published modifications).

NM_005236.3(ERCC4):c.1884A>G (p.Glu628=)

Gene: ERCC4 (ERCC excision repair 4, endonuclease catalytic subunit; plus strand). Cytogenetic location: 16p13.12.
Variant type: single nucleotide variant.
Coding change: c.1884A>G on transcript NM_005236.3 (MANE Select); coding-DNA position 1884, A replaced by G.
Protein change: p.Glu628=; no amino-acid change (glutamic acid 628 retained).
Molecular consequence: synonymous variant.
Genome position (GRCh38, 1-based): chr16:13,937,838, A>G. VCF-style: chr16-13937838-A-G. GRCh37 (hg19) VCF-style: chr16-14031695-A-G.
Identifiers: ClinVar variation 317817 (VCV000317817.23), dbSNP rs2020958, ClinGen allele CA7910583.